The following is an entry in ClinVar:

NM_030773.4(TUBB1):c.230G>C (p.Arg77Pro)

Gene: TUBB1 (tubulin beta 1 class VI; plus strand). Cytogenetic location: 20q13.32.
Variant type: single nucleotide variant.
Coding change: c.230G>C on transcript NM_030773.4 (MANE Select); coding-DNA position 230, G replaced by C.
Protein change: p.Arg77Pro; replaces arginine 77 with proline.
Molecular consequence: missense variant.
Genome position (GRCh38, 1-based): chr20:59,023,553, G>C. VCF-style: chr20-59023553-G-C. GRCh37 (hg19) VCF-style: chr20-57598608-G-C.
Other names: short protein forms R77P.
Identifiers: ClinVar variation 2118868 (VCV002118868.2), dbSNP rs572988631, ClinGen allele CA9928424.

ClinVar aggregate classification (germline): Uncertain significance (1 of 4 stars; one submission).

Allele frequency attached by ClinVar (database versions not stated): gnomAD 0.00001; 1000 Genomes Project 30x 0.00016; 1000 Genomes Project 0.00020.
gnomAD v4.1: 18 of 1,614,146 alleles (0.0011%); highest among the groups gnomAD compares: South Asian, 0.018%; no homozygotes.

Submission:

Labcorp Genetics (formerly Invitae), Labcorp
Classification: Uncertain significance. Last evaluated: 2022-03-28. Review status: criteria provided, single submitter. Criteria: Invitae Variant Classification Sherloc (09022015). Collection method: clinical testing. Allele origin: germline.
Comment: In summary, the available evidence is currently insufficient to determine the role of this variant in disease. Therefore, it has been classified as a Variant of Uncertain Significance. Algorithms developed to predict the effect of missense changes on protein structure and function are either unavailable or do not agree on the potential impact of this missense change (SIFT: "Not Available"; PolyPhen-2: "Probably Damaging"; Align-GVGD: "Not Available"). This variant has not been reported in the literature in individuals affected with TUBB1-related conditions. This variant is present in population databases (rs572988631, gnomAD 0.03%). This sequence change replaces arginine, which is basic and polar, with proline, which is neutral and non-polar, at codon 77 of the TUBB1 protein (p.Arg77Pro).